The following is an entry in ClinVar:

NM_002693.3(POLG):c.2656C>T (p.Leu886Phe)

Gene: POLG (DNA polymerase gamma, catalytic subunit; minus strand). Cytogenetic location: 15q26.1.
Variant type: single nucleotide variant.
Coding change: c.2656C>T on transcript NM_002693.3 (MANE Select); coding-DNA position 2656, C replaced by T.
Protein change: p.Leu886Phe; replaces leucine 886 with phenylalanine.
Molecular consequence: missense variant.
Genome position (GRCh38, 1-based): chr15:89,321,203, G>A on the plus strand (C>T on the coding strand, the complement: POLG is on the minus strand). VCF-style: chr15-89321203-G-A. GRCh37 (hg19) VCF-style: chr15-89864434-G-A.
Other names: c.2656C>T, p.Leu886Phe (NM_001126131.2); short protein forms L886F.
Identifiers: ClinVar variation 2756915 (VCV002756915.3), dbSNP rs2509219109, ClinGen allele CA393753763.

ClinVar aggregate classification (germline): Uncertain significance (1 of 4 stars; one submission).

Conditions:
Progressive sclerosing poliodystrophy (MTDPS4A). Also called: ALPERS PROGRESSIVE INFANTILE POLIODYSTROPHY; NEURONAL DEGENERATION OF CHILDHOOD WITH LIVER DISEASE, PROGRESSIVE; Alpers Syndrome; ALPERS DIFFUSE DEGENERATION OF CEREBRAL GRAY MATTER WITH HEPATIC CIRRHOSIS; Alpers-Huttenlocher Syndrome; Mitochondrial DNA depletion syndrome 4A (Alpers type). Identifiers: Orphanet 726, MedGen C0205710, MONDO:0008758, OMIM 203700.

Submission:

Labcorp Genetics (formerly Invitae), Labcorp
Classification: Uncertain significance for Progressive sclerosing poliodystrophy. Last evaluated: 2023-09-05. Review status: criteria provided, single submitter. Criteria: Invitae Variant Classification Sherloc (09022015). Collection method: clinical testing. Allele origin: germline.
Comment: This sequence change replaces leucine, which is neutral and non-polar, with phenylalanine, which is neutral and non-polar, at codon 886 of the POLG protein (p.Leu886Phe). This variant is not present in population databases (gnomAD no frequency). In summary, the available evidence is currently insufficient to determine the role of this variant in disease. Therefore, it has been classified as a Variant of Uncertain Significance. Advanced modeling of protein sequence and biophysical properties (such as structural, functional, and spatial information, amino acid conservation, physicochemical variation, residue mobility, and thermodynamic stability) performed at Invitae indicates that this missense variant is not expected to disrupt POLG protein function. This variant has not been reported in the literature in individuals affected with POLG-related conditions.